The following is an entry in ClinVar:

ClinVar aggregate classification (germline): Uncertain significance (1 of 4 stars; one submission).

Conditions:
Inborn genetic diseases. Identifiers: MedGen C0950123, MeSH D030342.

Submission:

Ambry Genetics
Classification: Uncertain significance for Inborn genetic diseases. Last evaluated: 2025-03-25. Review status: criteria provided, single submitter. Criteria: Ambry Variant Classification Scheme 2023. Collection method: clinical testing. Allele origin: germline.
Comment: The p.P327S variant (also known as c.979C>T), located in coding exon 5 of the FANCM gene, results from a C to T substitution at nucleotide position 979. The proline at codon 327 is replaced by serine, an amino acid with similar properties. This amino acid position is conserved. In addition, this alteration is predicted to be tolerated by in silico analysis. Based on the available evidence, the clinical significance of this variant remains unclear.

NM_020937.4(FANCM):c.979C>T (p.Pro327Ser)

Gene: FANCM (FA complementation group M; plus strand). Cytogenetic location: 14q21.2.
Variant type: single nucleotide variant.
Coding change: c.979C>T on transcript NM_020937.4 (MANE Select); coding-DNA position 979, C replaced by T.
Protein change: p.Pro327Ser; replaces proline 327 with serine.
Molecular consequence: missense variant.
Genome position (GRCh38, 1-based): chr14:45,151,457, C>T. VCF-style: chr14-45151457-C-T. GRCh37 (hg19) VCF-style: chr14-45620660-C-T.
Other names: c.901C>T, p.Pro301Ser (NM_001308133.2); c.979C>T, p.Pro327Ser (NM_001308134.2); short protein forms P301S, P327S.
Identifiers: ClinVar variation 4022613 (VCV004022613.1).